The following is an entry in ClinVar:

ClinVar aggregate classification (germline): Likely benign. Review status: criteria provided, multiple submitters, no conflicts (2 of 4 stars). 3 submissions from 3 submitters: Likely benign (3). Last evaluated 2025-03-01.

Conditions:
Inborn genetic diseases. Identifiers: MedGen C0950123, MeSH D030342.

Allele frequency attached by ClinVar (database versions not stated): ExAC 0.00014; ESP Exome Variant Server 0.00015.
gnomAD v4.1: 92 of 1,614,048 alleles (0.0057%); highest among the groups gnomAD compares: South Asian, 0.025%; no homozygotes.

Submissions (3):

CeGaT Center for Human Genetics Tuebingen
Classification: Likely benign. Last evaluated: 2025-03-01. Review status: criteria provided, single submitter. Criteria: CeGaT Center For Human Genetics Tuebingen Variant Classification Criteria Version 2. Collection method: clinical testing. Allele origin: germline. Affected: yes. Observed: 4 variant alleles.
Comment: SPEN: BP4, BP7

Blueprint Genetics
Classification: Likely benign. Last evaluated: 2024-10-25. Review status: criteria provided, single submitter. Criteria: ACMG Guidelines, 2015. Collection method: clinical testing. Allele origin: germline.

Ambry Genetics
Classification: Likely benign for Inborn genetic diseases. Last evaluated: 2024-04-23. Review status: criteria provided, single submitter. Criteria: Ambry Variant Classification Scheme 2023. Collection method: clinical testing. Allele origin: germline.

NM_015001.3(SPEN):c.6750C>T (p.Pro2250=)

Gene: SPEN (spen family transcriptional repressor; plus strand). Cytogenetic location: 1p36.13.
Variant type: single nucleotide variant.
Coding change: c.6750C>T on transcript NM_015001.3 (MANE Select); coding-DNA position 6750, C replaced by T.
Protein change: p.Pro2250=; no amino-acid change (proline 2250 retained).
Molecular consequence: synonymous variant.
Genome position (GRCh38, 1-based): chr1:15,932,990, C>T. VCF-style: chr1-15932990-C-T. GRCh37 (hg19) VCF-style: chr1-16259485-C-T.
Other names: c.6750C>T (NM_015001.2).
Identifiers: ClinVar variation 2638330 (VCV002638330.26), dbSNP rs146031154, ClinGen allele CA619983.